The following is an entry in ClinVar:

ClinVar aggregate classification (germline): Likely benign. Review status: criteria provided, multiple submitters, no conflicts (2 of 4 stars). 2 submissions from 2 submitters: Likely benign (2). Last evaluated 2025-08-12.

Allele frequency attached by ClinVar (database versions not stated): gnomAD exomes 0.00001; TOPMed 0.00002; gnomAD 0.00003.
gnomAD v4.1: 11 of 1,614,186 alleles (0.00068%); highest among the groups gnomAD compares: Non-Finnish European, 0.00085%; no homozygotes.

Submissions (2):

Labcorp Genetics (formerly Invitae), Labcorp
Classification: Likely benign. Last evaluated: 2025-08-12. Review status: criteria provided, single submitter. Criteria: Invitae Variant Classification Sherloc (09022015). Collection method: clinical testing. Allele origin: germline.

GeneDx
Classification: Likely benign. Last evaluated: 2016-09-20. Review status: criteria provided, single submitter. Criteria: GeneDx Variant Classification (06012015). Collection method: clinical testing. Allele origin: germline. Affected: yes.
Comment: This variant is considered likely benign or benign based on one or more of the following criteria: it is a conservative change, it occurs at a poorly conserved position in the protein, it is predicted to be benign by multiple in silico algorithms, and/or has population frequency not consistent with disease.

NM_004544.4(NDUFA10):c.297A>G (p.Gly99=)

Gene: NDUFA10 (NADH:ubiquinone oxidoreductase subunit A10; minus strand). Cytogenetic location: 2q37.3.
Variant type: single nucleotide variant.
Coding change: c.297A>G on transcript NM_004544.4 (MANE Select); coding-DNA position 297, A replaced by G.
Protein change: p.Gly99=; no amino-acid change (glycine 99 retained).
Molecular consequence: synonymous variant. On other transcripts: non-coding transcript variant (4).
Genome position (GRCh38, 1-based): chr2:240,021,360, T>C on the plus strand (A>G on the coding strand, the complement: NDUFA10 is on the minus strand). VCF-style: chr2-240021360-T-C. GRCh37 (hg19) VCF-style: chr2-240960777-T-C.
Other names: c.297A>G, p.Gly99= (NM_001322019.2, NM_001322020.2).
Identifiers: ClinVar variation 389198 (VCV000389198.2), dbSNP rs1057523358, ClinGen allele CA16604156.